The following is an entry in ClinVar:

ClinVar aggregate classification (germline): Benign/Likely benign. Review status: criteria provided, multiple submitters, no conflicts (2 of 4 stars). 4 submissions from 4 submitters: Benign (1); Likely benign (3). Last evaluated 2025-03-13.

Conditions:
Hereditary cancer-predisposing syndrome. Also called: Tumor predisposition; Hereditary Cancer Syndrome; Hereditary neoplastic syndrome; Neoplastic Syndromes, Hereditary. Identifiers: Orphanet 140162, MedGen C0027672, MeSH D009386, MONDO:0015356.
Tuberous sclerosis 2 (TSC2). Identifiers: Orphanet 805, MedGen C1860707, MONDO:0013199, OMIM 613254.

Allele frequency attached by ClinVar (database versions not stated): gnomAD below 0.00001 and 0.00001; gnomAD exomes below 0.00001; ExAC 0.00001.
gnomAD v4.1: 4 of 1,607,818 alleles (0.00025%); highest among the groups gnomAD compares: South Asian, 0.0033%; no homozygotes.

Submissions (4):

Labcorp Genetics (formerly Invitae), Labcorp
Classification: Likely benign for Tuberous sclerosis 2. Last evaluated: 2025-03-13. Review status: criteria provided, single submitter. Criteria: Invitae Variant Classification Sherloc (09022015). Collection method: clinical testing. Allele origin: germline.

Ambry Genetics
Classification: Likely benign for Hereditary cancer-predisposing syndrome. Last evaluated: 2022-08-23. Review status: criteria provided, single submitter. Criteria: Ambry Variant Classification Scheme 2023. Collection method: clinical testing. Allele origin: germline.

Genome-Nilou Lab
Classification: Benign for Tuberous sclerosis 2. Last evaluated: 2021-11-07. Review status: criteria provided, single submitter. Criteria: ACMG Guidelines, 2015. Collection method: clinical testing. Allele origin: germline. Affected: no.

GeneDx
Classification: Likely benign. Last evaluated: 2017-04-03. Review status: criteria provided, single submitter. Criteria: GeneDx Variant Classification (06012015). Collection method: clinical testing. Allele origin: germline. Affected: yes.
Comment: This variant is considered likely benign or benign based on one or more of the following criteria: it is a conservative change, it occurs at a poorly conserved position in the protein, it is predicted to be benign by multiple in silico algorithms, and/or has population frequency not consistent with disease.

NM_000548.5(TSC2):c.4947C>G (p.Val1649=)

Gene: TSC2 (TSC complex subunit 2; plus strand). Cytogenetic location: 16p13.3.
Variant type: single nucleotide variant.
Coding change: c.4947C>G on transcript NM_000548.5 (MANE Select); coding-DNA position 4947, C replaced by G.
Protein change: p.Val1649=; no amino-acid change (valine 1649 retained).
Molecular consequence: synonymous variant.
Genome position (GRCh38, 1-based): chr16:2,086,829, C>G. VCF-style: chr16-2086829-C-G. GRCh37 (hg19) VCF-style: chr16-2136830-C-G.
Other names: c.4746C>G, p.Val1582= (NM_001077183.3); c.4878C>G, p.Val1626= (NM_001114382.3); c.4638C>G, p.Val1546= (NM_001318827.2); c.4602C>G, p.Val1534= (NM_001318829.2); c.4215C>G, p.Val1405= (NM_001318831.2); c.4779C>G, p.Val1593= (NM_001318832.2); c.4749C>G, p.Val1583= (NM_001363528.2); c.4815C>G, p.Val1605= (NM_001370404.1); and 1 more.
Identifiers: ClinVar variation 238070 (VCV000238070.16), dbSNP rs778989782, ClinGen allele CA053122.